The following is an entry in ClinVar:

NM_000535.7(PMS2):c.425A>G (p.Lys142Arg)

Gene: PMS2 (PMS1 homolog 2, mismatch repair system component; minus strand). Cytogenetic location: 7p22.1.
Variant type: single nucleotide variant.
Coding change: c.425A>G on transcript NM_000535.7 (MANE Select); coding-DNA position 425, A replaced by G.
Protein change: p.Lys142Arg; replaces lysine 142 with arginine.
Molecular consequence: missense variant. On other transcripts: non-coding transcript variant (1), intron variant (1), 5 prime UTR variant (2).
Genome position (GRCh38, 1-based): chr7:6,002,565, T>C on the plus strand (A>G on the coding strand, the complement: PMS2 is on the minus strand). VCF-style: chr7-6002565-T-C. GRCh37 (hg19) VCF-style: chr7-6042196-T-C.
Other names: c.107A>G, p.Lys36Arg (NM_001406901.1, NM_001406902.1, NM_001406903.1 and 4 more transcripts); c.20A>G, p.Lys7Arg (NM_001406904.1, NM_001406905.1, NM_001406906.1 and 24 more transcripts); c.425A>G, p.Lys142Arg (NM_001406912.1, NM_001406884.1, NM_001406886.1 and 8 more transcripts); c.250+1407A>G (NM_001406885.1); c.116A>G, p.Lys39Arg (NM_001406900.1, NM_001322015.2, NM_001406875.1 and 6 more transcripts); c.-460A>G (NM_001322011.2, NM_001322012.2); c.611A>G, p.Lys204Arg (NM_001406866.1); c.449A>G, p.Lys150Arg (NM_001406868.1); short protein forms K150R, K204R, K36R, K7R, K142R, K39R.
Identifiers: ClinVar variation 5026938 (VCV005026938.1).
Genomic context (GRCh38, chr7:6,002,565, plus strand): 5'-AACTGCTGCACGCTGACTGTGGTCCCTCTGGGGCGGGGGTAGGGGGTTTTCTGGATAATT[T>C]TCCCATTGTGATCAAACATCAGTCGAGTTCCAACCTTCGCCGATGCGTGGCAGGTAGAAA-3'
Protein context (NP_000526.2, residues 132-152): GTRLMFDHNG[Lys142Arg]IIQKTPYPRP

ClinVar aggregate classification (germline): Uncertain significance (1 of 4 stars; one submission).

Conditions:
Hereditary cancer-predisposing syndrome. Also called: Neoplastic Syndromes, Hereditary; Tumor predisposition; Hereditary neoplastic syndrome; Hereditary Cancer Syndrome. Identifiers: Orphanet 140162, MedGen C0027672, MeSH D009386, MONDO:0015356.

Submission:

Ambry Genetics
Classification: Uncertain significance for Hereditary cancer-predisposing syndrome. Last evaluated: 2026-08-29. Review status: criteria provided, single submitter. Criteria: Ambry Variant Classification Scheme 2023. Collection method: clinical testing. Allele origin: germline.
Comment: The p.K142R variant (also known as c.425A>G), located in coding exon 5 of the PMS2 gene, results from an A to G substitution at nucleotide position 425. The lysine at codon 142 is replaced by arginine, an amino acid with highly similar properties. This amino acid position is conserved. In addition, this alteration is predicted to be tolerated by in silico analysis. Based on the available evidence, the clinical significance of this variant remains unclear.